The following continues an entry in ClinVar:

NM_000350.3(ABCA4):c.5882G>A (p.Gly1961Glu)

Gene: ABCA4. ClinVar aggregate classification (germline): Pathogenic. Pathogenic (1).

Submissions 43 to 59 of 79:

Laboratory for Molecular Medicine, Mass General Brigham Personalized Medicine
Classification: Pathogenic for Stargardt disease. Last evaluated: 2020-05-28. Review status: criteria provided, single submitter. Criteria: LMM Criteria. Collection method: clinical testing. Allele origin: germline. Inheritance: Autosomal recessive inheritance. Observed: 6 variant alleles. Not counted in ClinVar's aggregate classification.
Comment: The p.Gly1961Glu (NM_000350.2 c.5882G>A) variant in ABCA4 has been reported >20 individuals with Stargardt disease and other retinal phenotypes and segregated with disease in 5 affected individuals from 5 families, but has been associated with reduced penetrance (Allikmets 1997 PMID:9295268, Burke 2012 PMID:22312191, Burke 2012 PMID:22661473, Song 2011 PMID:22025579, Burke 2010 PMID:20696155, Wiszniewski 2005 PMID:16103129, Cella 2009 PMID:19217903, Cideciyan 2009 PMID: 19074458). The variant shows a statistically significant (p<0.0001) difference in allele frequency in cases (5%) compared to the general population (0.4%). In vitro functional studies support an impact on protein function (Sun 2000 PMID:11017087). This variant has also been reported as Pathogenic by multiple clinical labs in ClinVar (Variation ID 7879). In summary, this variant meets criteria to be classified as pathogenic for Stargardt disease in an autosomal recessive manner, though it may show reduced penetrance and a milder clinical presentation compared to other pathogenic variants in the ABCA4 gene. ACMG/AMP Criteria applied: PS3_Supporting, PM3_VeryStrong, PP1_Strong.

Baylor Genetics
Classification: Pathogenic for Severe early-childhood-onset retinal dystrophy. Last evaluated: 2020-01-17. Review status: criteria provided, single submitter. Criteria: ACMG Guidelines, 2015. Collection method: clinical testing. Allele origin: unknown. Affected: yes. Not counted in ClinVar's aggregate classification.
Comment: This variant was determined to be pathogenic according to ACMG Guidelines, 2015 [PMID:25741868].

Centre for Mendelian Genomics, University Medical Centre Ljubljana
Classification: Likely pathogenic for Age related macular degeneration 2. Last evaluated: 2019-09-05. Review status: criteria provided, single submitter. Criteria: ACMG Guidelines, 2015. Collection method: clinical testing. Allele origin: unknown. Affected: yes. Not counted in ClinVar's aggregate classification.
Comment: This variant was classified as: Likely pathogenic. The following ACMG criteria were applied in classifying this variant: Pm1,PM5,PP3,PP5.

Hadassah Hebrew University Medical Center
Classification: Likely pathogenic for Cone-rod dystrophy 3; Retinitis pigmentosa 19; Stargardt disease 1. Last evaluated: 2019-06-20. Review status: criteria provided, single submitter. Criteria: ACMG Guidelines, 2015. Collection method: clinical testing. Allele origin: germline. Affected: yes. Not counted in ClinVar's aggregate classification.

Mendelics
Classification: Likely pathogenic for Severe early-childhood-onset retinal dystrophy. Last evaluated: 2019-05-28. Review status: criteria provided, single submitter. Criteria: Mendelics Assertion Criteria 2017. Collection method: clinical testing. Allele origin: unknown. Not counted in ClinVar's aggregate classification.

Institute of Human Genetics, University of Leipzig Medical Center
Classification: Pathogenic for Cone-rod dystrophy 3. Last evaluated: 2019-01-01. Review status: criteria provided, single submitter. Criteria: ACMG Guidelines, 2015. Collection method: clinical testing. Allele origin: unknown. Affected: yes. Not counted in ClinVar's aggregate classification.

Department of Genetics, Sultan Qaboos University Hospital
Classification: Likely pathogenic for Severe early-childhood-onset retinal dystrophy. Last evaluated: 2017-12-30. Review status: criteria provided, single submitter. Criteria: ACMG Guidelines, 2015. Collection method: curation. Allele origin: unknown. Affected: yes. Not counted in ClinVar's aggregate classification.

Illumina Laboratory Services, Illumina
Classification: Pathogenic for ABCA4-Related Disorders. Last evaluated: 2017-05-08. Review status: criteria provided, single submitter. Criteria: ICSL Variant Classification Criteria 09 May 2019. Collection method: clinical testing. Allele origin: germline. Not counted in ClinVar's aggregate classification.
Comment: The ABCA4 c.5882G>A (p.Gly1961Glu) missense variant has been reported in at least eight studies in which it is found in over 50 individuals, 54 of whom were diagnosed with Stargardt disease, including 18 who carry the variant in a homozygous state, in at least 26 who carry the variant in a compound heterozygous state, and in seven who carry the variant in a heterozygous state. The p.Gly1961Glu variant is also found in a heterozygous state in two asymptomatic individuals (Allikmets et al. 1997; Wiszniewski et al. 2005; Kitiratschky et al. 2008; Cella et al. 2009; Burke et al. 2012; Burke et al. 2012; Fujinami et al. 2013; Lee et al. 2016). The p.Gly1961Glu variant is associated with a mild phenotype. Fifteen of the individuals carrying the variant exhibited bull's eye maculopathy and retinal dysfunction limited to the macula and not typical general dysfunction (Cella et al. 2009). Six individuals were found to carry additional variants in the ABCA4 gene and exhibited a more severe phenotype (Burke et al. 2012). The p.Gly1961Glu variant was absent from 220 control individuals and is reported at a frequency of 0.01498 in the South Asian population of the Exome Aggregation Consortium. Haplotype analysis in the South Asian population suggested that the p.Gly1961Glu variant has a founder effect in this population (Fujinami et al. 2013). Functional studies demonstrated that the p.Gly1961Glu variant protein resulted in reduced ATPase activity and ATP binding, while maintaining expression levels comparable to wild type, which is consistent with a mild phenotype. Additionally, the variant protein ATPase activity was inhibited by all-trans retinal, in contrast to the stimulation seen in wild type (Sun et al. 2000; Burke et al 2012a). Based on the collective evidence, the p.Gly1961Glu variant is classified as pathogenic for ABCA4-related disorders. This variant was observed by ICSL as part of a predisposition screen in an ostensibly healthy population.

Eurofins Ntd Llc (ga)
Classification: Pathogenic. Last evaluated: 2016-11-30. Review status: criteria provided, single submitter. Criteria: EGL Classification Definitions 2015. Collection method: clinical testing. Allele origin: germline. Observed: 22 variant alleles, 20 heterozygotes, 2 homozygotes. Not counted in ClinVar's aggregate classification.

Knight Diagnostic Laboratories, Oregon Health and Sciences University
Classification: Pathogenic for Severe early-childhood-onset retinal dystrophy. Last evaluated: 2016-06-28. Review status: criteria provided, single submitter. Criteria: ACMG Guidelines, 2015. Collection method: clinical testing. Allele origin: germline. Affected: no. Study: CSER-NextGen. Not counted in ClinVar's aggregate classification.
Comment: The c.5882G>A (p.Gly1961Glu) missense variant in the ABCA4 gene has been previously reported in multiple individuals affected with Stargardt Disease (Kousal et al., 2014; Fritsche et al., 2012; Burke et al., 2012; Cella et al., 2009). This variant was observed at a significantly higher frequency in affected individuals than in a control population (OR=41.03 (5.4-310.1)). Furthermore, this variant is predicted to lie within a nucleotide binding domain, and in vitro functional assays demonstrated that this variant resulted in decreased ATP-binding capacity and ATP hydrolysis, despite an increase of the total amount of ABCA4 protein (Sun et al., 2000). Multiple in silico algorithms predict this variant to have a deleterious effect (GERP=5.35; CADD = 23.6; PolyPhen = 1.0; SIFT = 0.0). Emory Genetics Laboratory has classified this variant as Pathogenic. Therefore, this collective evidence supports the classification of the c.5882G>A (p.Gly1961Glu) as a Pathogenic variant for Stargardt Disease. We have confirmed this finding in our laboratory using Sanger sequencing.

Institute of Human Genetics, Univ. Regensburg, Univ. Regensburg
Classification: Pathogenic for Severe early-childhood-onset retinal dystrophy. Last evaluated: 2016-01-01. Review status: criteria provided, single submitter. Criteria: Schulz et al. (Invest Ophthalmol Vis Sci. 2017). Collection method: clinical testing. Allele origin: germline. Affected: yes. Observed: 45 heterozygotes, 3 homozygotes. Not counted in ClinVar's aggregate classification.

Ambry Genetics
Classification: Pathogenic for Inborn genetic diseases. Last evaluated: 2014-09-07. Review status: criteria provided, single submitter. Criteria: Ambry exome assertion method (8-5-2015). Collection method: clinical testing. Allele origin: germline. Affected: yes. Observed: 1 variant allele. Not counted in ClinVar's aggregate classification.

Arcensus
Classification: Likely pathogenic for Severe early-childhood-onset retinal dystrophy. Last evaluated: 2013-02-01. Review status: criteria provided, single submitter. Criteria: ACMG Guidelines, 2015. Collection method: clinical testing. Allele origin: germline. Affected: yes. Not counted in ClinVar's aggregate classification.

Broad Center for Mendelian Genomics, Broad Institute of MIT and Harvard
Classification: Likely pathogenic for Retinitis pigmentosa. Review status: criteria provided, single submitter. Criteria: ACMG Guidelines, 2015. Collection method: curation. Allele origin: germline. Inheritance: Autosomal recessive inheritance. Affected: yes. Not counted in ClinVar's aggregate classification.
Comment: Through a review of available evidence we were able to apply the following criteria: PS3, PM5, PP3, PP5. Based on this evidence we have classified this variant as likely pathogenic. If you have any questions about the classification please reach out to the Pierce Lab.

Clinical Genetics Service, Universitary Hospital 12 de Octubre
Classification: Pathogenic for Severe early-childhood-onset retinal dystrophy. Review status: criteria provided, single submitter. Criteria: ACMG Guidelines, 2015. Collection method: clinical testing. Allele origin: germline. Affected: yes. Not counted in ClinVar's aggregate classification.

Genomics England Pilot Project, Genomics England
Classification: Pathogenic for Age related macular degeneration 2. Review status: criteria provided, single submitter. Criteria: ACGS Guidelines, 2016. Collection method: clinical testing. Allele origin: germline. Affected: yes. Not counted in ClinVar's aggregate classification.

Genomics England Pilot Project, Genomics England
Classification: Pathogenic for Retinitis pigmentosa 19. Review status: criteria provided, single submitter. Criteria: ACGS Guidelines, 2016. Collection method: clinical testing. Allele origin: germline. Affected: yes. Not counted in ClinVar's aggregate classification.